The following is an entry in ClinVar:

ClinVar aggregate classification (germline): Pathogenic (1 of 4 stars; one submission).

Conditions:
Polycystic kidney disease 7 (PKD7). Identifiers: MedGen C5774222, MONDO:0031062, OMIM 620056.

Submission:

Victorian Clinical Genetics Services, Murdoch Childrens Research Institute
Classification: Pathogenic for Polycystic kidney disease 7. Last evaluated: 2026-06-01. Review status: criteria provided, single submitter. Criteria: ACMG Guidelines, 2015. Collection method: clinical testing. Allele origin: germline. Affected: yes.
Comment: This variant is classified as Pathogenic. Evidence in support of pathogenic classification: Variant is predicted to cause nonsense-mediated decay (NMD) and loss of protein (premature termination codon is located at least 54 nucleotides upstream of the final exon-exon junction); Variant is absent from gnomAD (v2, v3 and v4); Other NMD-predicted variant(s) comparable to the one identified in this case have strong previous evidence for pathogenicity (ClinVar, PMID: 35896117). Additional information: This variant is heterozygous; This gene is associated with autosomal dominant disease; This variant has no previous evidence of pathogenicity; No published evidence of segregation with disease has been identified for this variant; No published functional evidence has been identified for this variant; Loss of function is a known mechanism of disease in this gene and is associated with polycystic kidney disease 7 (MIM#620056); Variants in this gene are known to have variable expressivity. The presentation of kidney cysts is not reported in all patients, while common features of disease include late-onset of CKD and atrophic kidney (PMID: 35896117, 39081747); Inheritance information for this variant is not currently available in this individual.

Literature cited by the submitters: PubMed 35896117; PubMed 39081747.

NM_013338.5(ALG5):c.289C>T (p.Arg97Ter)

Gene: ALG5 (ALG5 dolichyl-phosphate beta-glucosyltransferase; minus strand). Cytogenetic location: 13q13.3.
Variant type: single nucleotide variant.
Coding change: c.289C>T on transcript NM_013338.5 (MANE Select); coding-DNA position 289, C replaced by T.
Protein change: p.Arg97Ter; replaces arginine 97 with a stop codon.
Molecular consequence: nonsense. On other transcripts: intron variant (1).
Genome position (GRCh38, 1-based): chr13:36,993,669, G>A on the plus strand (C>T on the coding strand, the complement: ALG5 is on the minus strand). VCF-style: chr13-36993669-G-A. GRCh37 (hg19) VCF-style: chr13-37567806-G-A.
Other names: c.285+1320C>T (NM_001142364.1); short protein forms R97*.
Identifiers: ClinVar variation 4879580 (VCV004879580.1).